The following is an entry in ClinVar:

NM_004329.3(BMPR1A):c.1087C>T (p.Leu363=)

Gene: BMPR1A (bone morphogenetic protein receptor type 1A; plus strand). Cytogenetic location: 10q23.2.
Variant type: single nucleotide variant.
Coding change: c.1087C>T on transcript NM_004329.3 (MANE Select); coding-DNA position 1087, C replaced by T.
Protein change: p.Leu363=; no amino-acid change (leucine 363 retained).
Molecular consequence: synonymous variant. On other transcripts: non-coding transcript variant (3).
Genome position (GRCh38, 1-based): chr10:86,919,390, C>T. VCF-style: chr10-86919390-C-T. GRCh37 (hg19) VCF-style: chr10-88679147-C-T.
Other names: c.1162C>T, p.Leu388= (NM_001406559.1); c.1135C>T, p.Leu379= (NM_001406560.1); c.1087C>T, p.Leu363= (NM_001406561.1, NM_001406562.1, NM_001406563.1 and 19 more transcripts); c.1081C>T, p.Leu361= (NM_001406583.1); c.1003C>T, p.Leu335= (NM_001406584.1, NM_001406585.1, NM_001406586.1 and 2 more transcripts); c.745C>T, p.Leu249= (NM_001406589.1).
Identifiers: ClinVar variation 2565027 (VCV002565027.3), dbSNP rs2539622230, ClinGen allele CA470373280.

ClinVar aggregate classification (germline): Benign/Likely benign. Review status: criteria provided, multiple submitters, no conflicts (2 of 4 stars). 2 submissions from 2 submitters: Benign (1); Likely benign (1). Last evaluated 2024-08-06.

Conditions:
Juvenile polyposis syndrome (JPS). Identifiers: Orphanet 2929, MedGen C0345893, MONDO:0017380, OMIM 174900.
Hereditary cancer-predisposing syndrome. Also called: Neoplastic Syndromes, Hereditary; Hereditary Cancer Syndrome; Tumor predisposition; Hereditary neoplastic syndrome. Identifiers: Orphanet 140162, MedGen C0027672, MeSH D009386, MONDO:0015356.

Allele frequency attached by ClinVar (database versions not stated): gnomAD exomes below 0.00001.
gnomAD v4.1: 1 of 1,613,010 alleles (0.000062%); highest among the groups gnomAD compares: Non-Finnish European, 0.000085%; no homozygotes.

Submissions (2):

Myriad Genetics, Inc.
Classification: Benign for Juvenile polyposis syndrome. Last evaluated: 2024-08-06. Review status: criteria provided, single submitter. Criteria: Myriad Autosomal Dominant, Autosomal Recessive and X-Linked Classification Criteria (2023). Collection method: clinical testing. Allele origin: unknown.
Comment: This variant is considered benign. This variant is a silent/synonymous amino acid change and it is not expected to impact splicing.

Ambry Genetics
Classification: Likely benign for Hereditary cancer-predisposing syndrome. Last evaluated: 2023-05-26. Review status: criteria provided, single submitter. Criteria: Ambry Variant Classification Scheme 2023. Collection method: clinical testing. Allele origin: germline.